The following is an entry in ClinVar:

ClinVar aggregate classification (germline): Conflicting classifications of pathogenicity. Review status: criteria provided, conflicting classifications (1 of 4 stars). 3 submissions from 3 submitters: Uncertain significance (2); Likely benign (1). Last evaluated 2025-06-12.

Conditions:
Fraser syndrome 1 (FRASRS1). Also called: CRYPTOPHTHALMOS WITH OTHER MALFORMATIONS. Identifiers: Orphanet 2052, MedGen C4551480, MONDO:0054737, OMIM 219000.

Allele frequency attached by ClinVar (database versions not stated): gnomAD exomes 0.00003 and 0.00006; ExAC 0.00006; 1000 Genomes Project 30x 0.00016; TOPMed 0.00018; 1000 Genomes Project 0.00020; ESP Exome Variant Server 0.00024; gnomAD 0.00025.
gnomAD v4.1: 88 of 1,613,862 alleles (0.0055%); highest among the groups gnomAD compares: African/African-American, 0.069%; 1 homozygote.

Submissions (3):

Labcorp Genetics (formerly Invitae), Labcorp
Classification: Uncertain significance. Last evaluated: 2025-06-12. Review status: criteria provided, single submitter. Criteria: Invitae Variant Classification Sherloc (09022015). Collection method: clinical testing. Allele origin: germline.
Comment: This sequence change replaces arginine, which is basic and polar, with cysteine, which is neutral and slightly polar, at codon 2781 of the FRAS1 protein (p.Arg2781Cys). This variant is present in population databases (rs190483418, gnomAD 0.07%). This variant has not been reported in the literature in individuals affected with FRAS1-related conditions. ClinVar contains an entry for this variant (Variation ID: 907471). Invitae Evidence Modeling of protein sequence and biophysical properties (such as structural, functional, and spatial information, amino acid conservation, physicochemical variation, residue mobility, and thermodynamic stability) indicates that this missense variant is expected to disrupt FRAS1 protein function with a positive predictive value of 80%. In summary, the available evidence is currently insufficient to determine the role of this variant in disease. Therefore, it has been classified as a Variant of Uncertain Significance.

Fulgent Genetics
Classification: Likely benign for Fraser syndrome 1. Last evaluated: 2024-03-22. Review status: criteria provided, single submitter. Criteria: ACMG Guidelines, 2015. Collection method: clinical testing. Allele origin: germline.

Illumina Laboratory Services, Illumina
Classification: Uncertain significance for Fraser syndrome 1. Last evaluated: 2018-01-12. Review status: criteria provided, single submitter. Criteria: ICSL Variant Classification Criteria 13 December 2019. Collection method: clinical testing. Allele origin: germline.

NM_025074.7(FRAS1):c.8341C>T (p.Arg2781Cys)

Gene: FRAS1 (Fraser extracellular matrix complex subunit 1; plus strand). Cytogenetic location: 4q21.21.
Variant type: single nucleotide variant.
Coding change: c.8341C>T on transcript NM_025074.7 (MANE Select); coding-DNA position 8341, C replaced by T.
Protein change: p.Arg2781Cys; replaces arginine 2781 with cysteine.
Molecular consequence: missense variant.
Genome position (GRCh38, 1-based): chr4:78,479,616, C>T. VCF-style: chr4-78479616-C-T. GRCh37 (hg19) VCF-style: chr4-79400770-C-T.
Other names: short protein forms R2781C.
Identifiers: ClinVar variation 907471 (VCV000907471.8), dbSNP rs190483418, ClinGen allele CA2978331.